The following is an entry in ClinVar:

ClinVar aggregate classification (germline): Benign/Likely benign. Review status: criteria provided, multiple submitters, no conflicts (2 of 4 stars). 2 submissions from 2 submitters: Benign (1); Likely benign (1). Last evaluated 2024-08-05.

Conditions:
Juvenile polyposis syndrome (JPS). Identifiers: Orphanet 2929, MedGen C0345893, MONDO:0017380, OMIM 174900.

Allele frequency attached by ClinVar (database versions not stated): gnomAD exomes below 0.00001.
gnomAD v4.1: 1 of 1,613,888 alleles (0.000062%); highest among the groups gnomAD compares: East Asian, 0.0022%; no homozygotes.

Submissions (2):

Myriad Genetics, Inc.
Classification: Benign for Juvenile polyposis syndrome. Last evaluated: 2024-08-05. Review status: criteria provided, single submitter. Criteria: Myriad Autosomal Dominant, Autosomal Recessive and X-Linked Classification Criteria (2023). Collection method: clinical testing. Allele origin: unknown.
Comment: This variant is considered benign. This variant is a silent/synonymous amino acid change and it is not expected to impact splicing.

Labcorp Genetics (formerly Invitae), Labcorp
Classification: Likely benign for Juvenile polyposis syndrome. Last evaluated: 2021-01-12. Review status: criteria provided, single submitter. Criteria: Invitae Variant Classification Sherloc (09022015). Collection method: clinical testing. Allele origin: germline.

NM_004329.3(BMPR1A):c.933C>T (p.Tyr311=)

Gene: BMPR1A (bone morphogenetic protein receptor type 1A; plus strand). Cytogenetic location: 10q23.2.
Variant type: single nucleotide variant.
Coding change: c.933C>T on transcript NM_004329.3 (MANE Select); coding-DNA position 933, C replaced by T.
Protein change: p.Tyr311=; no amino-acid change (tyrosine 311 retained).
Molecular consequence: synonymous variant.
Genome position (GRCh38, 1-based): chr10:86,919,236, C>T. VCF-style: chr10-86919236-C-T. GRCh37 (hg19) VCF-style: chr10-88678993-C-T.
Identifiers: ClinVar variation 529966 (VCV000529966.11), dbSNP rs1554891035, ClinGen allele CA470372729.
Genomic context (GRCh38, chr10:86,919,236, plus strand): 5'-CATAGCGGCAGACATTAAAGGTACAGGTTCCTGGACTCAGCTCTATTTGATTACTGATTA[C>T]CATGAAAATGGATCTCTCTATGACTTCCTGAAATGTGCTACACTGGACACCAGAGCCCTG-3'
Protein context (NP_004320.2, residues 301-321): SWTQLYLITD[Tyr311=]HENGSLYDFL